The following is an entry in ClinVar:

NM_000238.4(KCNH2):c.3366G>A (p.Pro1122=)

Gene: KCNH2 (potassium voltage-gated channel subfamily H member 2; minus strand). Cytogenetic location: 7q36.1.
Variant type: single nucleotide variant.
Coding change: c.3366G>A on transcript NM_000238.4 (MANE Select); coding-DNA position 3366, G replaced by A.
Protein change: p.Pro1122=; no amino-acid change (proline 1122 retained).
Molecular consequence: synonymous variant.
Genome position (GRCh38, 1-based): chr7:150,945,479, C>T on the plus strand (G>A on the coding strand, the complement: KCNH2 is on the minus strand). VCF-style: chr7-150945479-C-T. GRCh37 (hg19) VCF-style: chr7-150642567-C-T.
Other names: c.2346G>A, p.Pro782= (NM_172057.3).
Identifiers: ClinVar variation 377961 (VCV000377961.19), dbSNP rs371473271, ClinGen allele CA038846.

ClinVar aggregate classification (germline): Benign/Likely benign. Review status: criteria provided, multiple submitters, no conflicts (2 of 4 stars). 6 submissions from 6 submitters: Benign (2); Likely benign (4). Last evaluated 2026-02-01.

Conditions:
Long QT syndrome (LQTS). Identifiers: MedGen C0023976, MeSH D008133, MONDO:0002442. Disease mechanism: loss of function. Inheritance: Various modes of inheritance.
Cardiovascular phenotype. Identifiers: MedGen CN230736.
Cardiac arrhythmia. Also called: Arrhythmia; Cardiac rhythm disease. Identifiers: MedGen C0003811, MONDO:0007263, HP:0011675.

Allele frequency attached by ClinVar (database versions not stated): gnomAD exomes 0.00002 and 0.00004; ExAC 0.00014; ESP Exome Variant Server 0.00016; gnomAD 0.00026 and 0.00029; TOPMed 0.00029; 1000 Genomes Project 30x 0.00031; 1000 Genomes Project 0.00040.
gnomAD v4.1: 69 of 1,556,888 alleles (0.0044%); highest among the groups gnomAD compares: African/African-American, 0.086%; no homozygotes.

Submissions (6):

Labcorp Genetics (formerly Invitae), Labcorp
Classification: Likely benign for Long QT syndrome. Last evaluated: 2026-02-01. Review status: criteria provided, single submitter. Criteria: Invitae Variant Classification Sherloc (09022015). Collection method: clinical testing. Allele origin: germline.

All of Us Research Program, National Institutes of Health
Classification: Likely benign for Long QT syndrome. Last evaluated: 2024-02-05. Review status: criteria provided, single submitter. Criteria: ACMG Guidelines, 2015. Collection method: clinical testing. Allele origin: germline. Inheritance: Autosomal dominant inheritance. Observed: 18 variant alleles, 18 heterozygotes.
Comment: This study involves interpretation of variants in research participants for the purpose of population health screening. Participant phenotype was not available at the time of variant classification. Additional details can be found in publication PMID: 35346344, PMCID: PMC8962531

Ambry Genetics
Classification: Likely benign for Cardiovascular phenotype. Last evaluated: 2020-01-14. Review status: criteria provided, single submitter. Criteria: Ambry Variant Classification Scheme 2023. Collection method: clinical testing. Allele origin: germline.

Color Diagnostics, LLC DBA Color Health
Classification: Likely benign for Arrhythmia. Last evaluated: 2019-09-13. Review status: criteria provided, single submitter. Criteria: ACMG Guidelines, 2015. Collection method: clinical testing. Allele origin: germline.

Women's Health and Genetics/Laboratory Corporation of America, LabCorp
Classification: Benign. Last evaluated: 2016-05-16. Review status: criteria provided, single submitter. Criteria: LabCorp Variant Classification Summary - May 2015. Collection method: clinical testing. Allele origin: germline.
Comment: Variant summary: The KCNH2 c.3366G>A (p.Pro1122Pro) variant involves the alteration of a non-conserved nucleotide, resulting in a synonymous change. One in silico tool predicts a disease-causing outcome for this variant. 4/5 splice prediction tools predict no significant impact on normal splicing. ESE finder predicts that this variant may affect multiple ESE sites. However, these predictions have yet to be confirmed by functional studies. This variant was found in 3/20850 control chromosomes, predominantly observed in the African subpopulation at a frequency of 0.0009766 (2/2048). This frequency is about 10 times the estimated maximal expected allele frequency of a pathogenic KCNH2 variant (0.0001), suggesting this is likely a benign polymorphism found primarily in the populations of African origin. The variant of interest has not, to our knowledge, been reported in affected individuals via publications and/or reputable databases/clinical diagnostic laboratories; nor evaluated for functional impact by in vivo/vitro studies. Taken together, this variant is classified as benign.

GeneDx
Classification: Benign. Last evaluated: 2016-03-21. Review status: criteria provided, single submitter. Criteria: GeneDx Variant Classification (06012015). Collection method: clinical testing. Allele origin: germline. Affected: yes.
Comment: This variant is considered likely benign or benign based on one or more of the following criteria: it is a conservative change, it occurs at a poorly conserved position in the protein, it is predicted to be benign by multiple in silico algorithms, and/or has population frequency not consistent with disease.